The following is an entry in ClinVar:

ClinVar aggregate classification (germline): Uncertain significance (1 of 4 stars; one submission).

gnomAD v4.1: 7 of 1,614,208 alleles (0.00043%); highest among the groups gnomAD compares: South Asian, 0.0011%; no homozygotes.

Submission:

Labcorp Genetics (formerly Invitae), Labcorp
Classification: Uncertain significance. Last evaluated: 2023-08-04. Review status: criteria provided, single submitter. Criteria: Invitae Variant Classification Sherloc (09022015). Collection method: clinical testing. Allele origin: germline.
Comment: In summary, the available evidence is currently insufficient to determine the role of this variant in disease. Therefore, it has been classified as a Variant of Uncertain Significance. An algorithm developed to predict the effect of missense changes on protein structure and function (PolyPhen-2) suggests that this variant is likely to be tolerated. ClinVar contains an entry for this variant (Variation ID: 1987116). This variant has not been reported in the literature in individuals affected with SH3PXD2B-related conditions. This variant is present in population databases (rs376893926, gnomAD 0.003%). This sequence change replaces glycine, which is neutral and non-polar, with arginine, which is basic and polar, at codon 813 of the SH3PXD2B protein (p.Gly813Arg).

NM_001017995.3(SH3PXD2B):c.2437G>A (p.Gly813Arg)

Gene: SH3PXD2B (SH3 and PX domains 2B; minus strand). Cytogenetic location: 5q35.1.
Variant type: single nucleotide variant.
Coding change: c.2437G>A on transcript NM_001017995.3 (MANE Select); coding-DNA position 2437, G replaced by A.
Protein change: p.Gly813Arg; replaces glycine 813 with arginine.
Molecular consequence: missense variant. On other transcripts: intron variant (1).
Genome position (GRCh38, 1-based): chr5:172,338,668, C>T on the plus strand (G>A on the coding strand, the complement: SH3PXD2B is on the minus strand). VCF-style: chr5-172338668-C-T. GRCh37 (hg19) VCF-style: chr5-171765672-C-T.
Other names: c.1188+7468G>A (NM_001308175.2); short protein forms G813R.
Identifiers: ClinVar variation 1987116 (VCV001987116.4), dbSNP rs376893926, ClinGen allele CA3560968.